The following is an entry in ClinVar:

ClinVar aggregate classification (germline): Uncertain significance (1 of 4 stars; one submission).

Allele frequency attached by ClinVar (database versions not stated): gnomAD exomes below 0.00001; ExAC 0.00001.
gnomAD v4.1: 5 of 1,610,420 alleles (0.00031%); highest among the groups gnomAD compares: Middle Eastern, 0.033%; no homozygotes.

Submission:

Labcorp Genetics (formerly Invitae), Labcorp
Classification: Uncertain significance. Last evaluated: 2023-12-18. Review status: criteria provided, single submitter. Criteria: Invitae Variant Classification Sherloc (09022015). Collection method: clinical testing. Allele origin: germline.
Comment: This sequence change replaces glutamine, which is neutral and polar, with histidine, which is basic and polar, at codon 825 of the KMT2B protein (p.Gln825His). The frequency data for this variant in the population databases is considered unreliable, as metrics indicate poor data quality at this position in the gnomAD database. This variant has not been reported in the literature in individuals affected with KMT2B-related conditions. Advanced modeling of protein sequence and biophysical properties (such as structural, functional, and spatial information, amino acid conservation, physicochemical variation, residue mobility, and thermodynamic stability) performed at Invitae indicates that this missense variant is not expected to disrupt KMT2B protein function with a negative predictive value of 80%. In summary, the available evidence is currently insufficient to determine the role of this variant in disease. Therefore, it has been classified as a Variant of Uncertain Significance.

NM_014727.3(KMT2B):c.2475G>T (p.Gln825His)

Gene: KMT2B (lysine methyltransferase 2B; plus strand). Cytogenetic location: 19q13.12.
Variant type: single nucleotide variant.
Coding change: c.2475G>T on transcript NM_014727.3 (MANE Select); coding-DNA position 2475, G replaced by T.
Protein change: p.Gln825His; replaces glutamine 825 with histidine.
Molecular consequence: missense variant.
Genome position (GRCh38, 1-based): chr19:35,722,376, G>T. VCF-style: chr19-35722376-G-T. GRCh37 (hg19) VCF-style: chr19-36213278-G-T.
Other names: short protein forms Q825H.
Identifiers: ClinVar variation 3016765 (VCV003016765.3), dbSNP rs752884271, ClinGen allele CA9384464.
Genomic context (GRCh38, chr19:35,722,376, plus strand): 5'-TTTCCTCACTGTCCAGCCCCTGACCCTGTTTATTCCCTGCCAGCTGAGCCCTGGAGGGCA[G>T]ATGGAGGAGGTGGCCGGGGCTGTCAAGCAGATCTCCGACAGAGGCCCTGTCCGGTCTGAA-3'
Protein context (NP_055542.1, residues 815-835): AASMPLSPGG[Gln825His]MEEVAGAVKQ